The following is an entry in ClinVar:

NM_181806.4(AASDH):c.963G>A (p.Ala321=)

Gene: AASDH (aminoadipate-semialdehyde dehydrogenase; minus strand). Cytogenetic location: 4q12.
Variant type: single nucleotide variant.
Coding change: c.963G>A on transcript NM_181806.4 (MANE Select); coding-DNA position 963, G replaced by A.
Protein change: p.Ala321=; no amino-acid change (alanine 321 retained).
Molecular consequence: synonymous variant. On other transcripts: 5 prime UTR variant (2).
Genome position (GRCh38, 1-based): chr4:56,355,322, C>T on the plus strand (G>A on the coding strand, the complement: AASDH is on the minus strand). VCF-style: chr4-56355322-C-T. GRCh37 (hg19) VCF-style: chr4-57221488-C-T.
Other names: c.963G>A, p.Ala321= (NM_001323890.2, NM_001323892.2, NM_001286671.2 and 1 more transcripts); c.504G>A, p.Ala168= (NM_001323893.2, NM_001286669.2); c.-62G>A (NM_001323899.2); c.663G>A, p.Ala221= (NM_001286668.2); c.-213G>A (NM_001286670.2).
Identifiers: ClinVar variation 2654767 (VCV002654767.24), dbSNP rs768281923, ClinGen allele CA2929938.

ClinVar aggregate classification (germline): Likely benign (1 of 4 stars; one submission).

Allele frequency attached by ClinVar (database versions not stated): ExAC 0.00002; gnomAD 0.00002; TOPMed 0.00002.
gnomAD v4.1: 40 of 1,613,988 alleles (0.0025%); highest among the groups gnomAD compares: South Asian, 0.0077%; 1 homozygote.

Submission:

CeGaT Center for Human Genetics Tuebingen
Classification: Likely benign. Last evaluated: 2023-02-01. Review status: criteria provided, single submitter. Criteria: CeGaT Center For Human Genetics Tuebingen Variant Classification Criteria Version 2. Collection method: clinical testing. Allele origin: germline. Affected: yes. Observed: 1 variant allele.
Comment: AASDH: BP4, BP7